The following is an entry in ClinVar:

NM_003079.5(SMARCE1):c.584G>A (p.Arg195His)

Gene: SMARCE1 (SWI/SNF related BAF chromatin remodeling complex subunit E1; minus strand). Cytogenetic location: 17q21.2.
Variant type: single nucleotide variant.
Coding change: c.584G>A on transcript NM_003079.5 (MANE Select); coding-DNA position 584, G replaced by A.
Protein change: p.Arg195His; replaces arginine 195 with histidine.
Molecular consequence: missense variant.
Genome position (GRCh38, 1-based): chr17:40,632,325, C>T on the plus strand (G>A on the coding strand, the complement: SMARCE1 is on the minus strand). VCF-style: chr17-40632325-C-T. GRCh37 (hg19) VCF-style: chr17-38788577-C-T.
Other names: c.584G>A (NM_003079.4); short protein forms R195H.
Identifiers: ClinVar variation 1042709 (VCV001042709.9), dbSNP rs1303849808, ClinGen allele CA399364820.
Genomic context (GRCh38, chr17:40,632,325, plus strand): 5'-ACGTCTGGCACCACACTCTCACTAAGAATTTCACTGATGAGGCGGTGGTTTCTCTGGAAA[C>T]GGGCGGTGGCTGTATGCTTCATTGAAAAGCCATCATCATAATCTGGAGTGAACAAATTGT-3'
Protein context (NP_003070.3, residues 185-205): GFSMKHTATA[Arg195His]FQRNHRLISE

ClinVar aggregate classification (germline): Uncertain significance. Review status: criteria provided, multiple submitters, no conflicts (2 of 4 stars). 2 submissions from 2 submitters: Uncertain significance (2). Last evaluated 2025-08-06.

Conditions:
Familial meningioma. Also called: Meningioma, familial, susceptibility to. Identifiers: Orphanet 263662, MedGen C3551915, MONDO:0011789, OMIM 607174.
Hereditary cancer-predisposing syndrome. Also called: Hereditary Cancer Syndrome; Tumor predisposition; Hereditary neoplastic syndrome; Neoplastic Syndromes, Hereditary. Identifiers: Orphanet 140162, MedGen C0027672, MeSH D009386, MONDO:0015356.

Allele frequency attached by ClinVar (database versions not stated): gnomAD exomes below 0.00001.

Submissions (2):

Labcorp Genetics (formerly Invitae), Labcorp
Classification: Uncertain significance for Familial meningioma. Last evaluated: 2025-08-06. Review status: criteria provided, single submitter. Criteria: Invitae Variant Classification Sherloc (09022015). Collection method: clinical testing. Allele origin: germline.
Comment: This sequence change replaces arginine, which is basic and polar, with histidine, which is basic and polar, at codon 195 of the SMARCE1 protein (p.Arg195His). This variant is present in population databases (no rsID available, gnomAD 0.0009%). This missense change has been observed in individual(s) with clinical features of SMARCE1-related conditions (PMID: 34918830). ClinVar contains an entry for this variant (Variation ID: 1042709). Invitae Evidence Modeling of protein sequence and biophysical properties (such as structural, functional, and spatial information, amino acid conservation, physicochemical variation, residue mobility, and thermodynamic stability) indicates that this missense variant is expected to disrupt SMARCE1 protein function with a positive predictive value of 80%. In summary, the available evidence is currently insufficient to determine the role of this variant in disease. Therefore, it has been classified as a Variant of Uncertain Significance.

Ambry Genetics
Classification: Uncertain significance for Hereditary cancer-predisposing syndrome. Last evaluated: 2025-05-27. Review status: criteria provided, single submitter. Criteria: Ambry Variant Classification Scheme 2023. Collection method: clinical testing. Allele origin: germline.
Comment: The p.R195H variant (also known as c.584G>A), located in coding exon 7 of the SMARCE1 gene, results from a G to A substitution at nucleotide position 584. The arginine at codon 195 is replaced by histidine, an amino acid with highly similar properties. This amino acid position is highly conserved in available vertebrate species. In addition, the in silico prediction for this alteration is inconclusive. Based on the available evidence, the clinical significance of this variant remains unclear.

Literature cited by the submitters: PubMed 34918830 (cited by Labcorp Genetics (formerly Invitae), Labcorp).